The following is an entry in ClinVar:

ClinVar aggregate classification (germline): Conflicting classifications of pathogenicity. Review status: criteria provided, conflicting classifications (1 of 4 stars). 2 submissions from 2 submitters: Uncertain significance (1); Likely benign (1). Last evaluated 2025-05-21.

Conditions:
Inborn genetic diseases. Identifiers: MedGen C0950123, MeSH D030342.

Submissions (2):

Women's Health and Genetics/Laboratory Corporation of America, LabCorp
Classification: Uncertain significance. Last evaluated: 2025-05-21. Review status: criteria provided, single submitter. Criteria: LabCorp Variant Classification Summary - May 2015. Collection method: clinical testing. Allele origin: germline.
Comment: Variant summary: OSGEP c.374G>C (p.Ser125Thr) results in a conservative amino acid change in the encoded protein sequence. Algorithms developed to predict the effect of missense changes on protein structure and function all suggest that this variant is likely to be tolerated. The variant allele was found at a frequency of 2.8e-05 in 250006 control chromosomes. The available data on variant occurrences in the general population are insufficient to allow any conclusion about variant significance. To our knowledge, no occurrence of c.374G>C in individuals affected with Galloway-Mowat Syndrome 3 and no experimental evidence demonstrating its impact on protein function have been reported. ClinVar contains an entry for this variant (Variation ID: 3303598). Based on the evidence outlined above, the variant was classified as uncertain significance.

Ambry Genetics
Classification: Likely benign for Inborn genetic diseases. Last evaluated: 2024-06-24. Review status: criteria provided, single submitter. Criteria: Ambry Variant Classification Scheme 2023. Collection method: clinical testing. Allele origin: germline.

NM_017807.4(OSGEP):c.374G>C (p.Ser125Thr)

Genes: OSGEP (O-sialoglycoprotein endopeptidase; minus strand), LOC107372315 (OSGEP/APEX1 bi-directional promoter region; plus strand). Cytogenetic location: 14q11.2.
Variant type: single nucleotide variant.
Coding change: c.374G>C on transcript NM_017807.4 (MANE Select); coding-DNA position 374, G replaced by C.
Protein change: p.Ser125Thr; replaces serine 125 with threonine.
Molecular consequence: missense variant.
Genome position (GRCh38, 1-based): chr14:20,452,011, C>G on the plus strand (G>C on the coding strand, the complement: OSGEP is on the minus strand). VCF-style: chr14-20452011-C-G. GRCh37 (hg19) VCF-style: chr14-20920170-C-G.
Other names: short protein forms S125T.
Identifiers: ClinVar variation 3303598 (VCV003303598.2).